The following is an entry in ClinVar:

ClinVar aggregate classification (germline): Uncertain significance (1 of 4 stars; one submission).

Submission:

Labcorp Genetics (formerly Invitae), Labcorp
Classification: Uncertain significance. Last evaluated: 2025-09-15. Review status: criteria provided, single submitter. Criteria: Invitae Variant Classification Sherloc (09022015). Collection method: clinical testing. Allele origin: germline.
Comment: This sequence change replaces lysine, which is basic and polar, with glutamic acid, which is acidic and polar, at codon 42 of the TRAPPC3 protein (p.Lys42Glu). This variant is not present in population databases (gnomAD no frequency). This variant has not been reported in the literature in individuals affected with TRAPPC3-related conditions. ClinVar contains an entry for this variant (Variation ID: 2105080). Experimental studies and prediction algorithms are not available or were not evaluated, and the functional significance of this variant is currently unknown. In summary, the available evidence is currently insufficient to determine the role of this variant in disease. Therefore, it has been classified as a Variant of Uncertain Significance.

NM_014408.5(TRAPPC3):c.124A>G (p.Lys42Glu)

Gene: TRAPPC3 (trafficking protein particle complex subunit 3; minus strand). Cytogenetic location: 1p34.3.
Variant type: single nucleotide variant.
Coding change: c.124A>G on transcript NM_014408.5 (MANE Select); coding-DNA position 124, A replaced by G.
Protein change: p.Lys42Glu; replaces lysine 42 with glutamic acid.
Molecular consequence: missense variant. On other transcripts: 5 prime UTR variant (2), intron variant (1).
Genome position (GRCh38, 1-based): chr1:36,140,085, T>C on the plus strand (A>G on the coding strand, the complement: TRAPPC3 is on the minus strand). VCF-style: chr1-36140085-T-C. GRCh37 (hg19) VCF-style: chr1-36605686-T-C.
Other names: c.124A>G, p.Lys42Glu (NM_001270894.2); c.-15A>G (NM_001270895.2, NM_001270896.2); c.43-2107A>G (NM_001270897.2); short protein forms K42E.
Identifiers: ClinVar variation 2105080 (VCV002105080.4), dbSNP rs2524796650, ClinGen allele CA339377986.